The following is an entry in ClinVar:

NM_007294.4(BRCA1):c.2120del (p.Gly707fs)

Gene: BRCA1 (BRCA1 DNA repair associated; minus strand). Cytogenetic location: 17q21.31.
Variant type: Deletion.
Coding change: c.2120del on transcript NM_007294.4 (MANE Select); coding-DNA position 2120, one base deleted (G; older notation c.2120delG).
Protein change: p.Gly707fs; shifts the reading frame from glycine 707.
Molecular consequence: frameshift variant. On other transcripts: intron variant (137).
Genome position (GRCh38, 1-based): chr17:43,093,411, C deleted on the plus strand (G on the coding strand, the reverse complement: BRCA1 is on the minus strand); the first of 2 consecutive C bases (chr17:43,093,411-43,093,412); deleting either gives the same sequence. VCF-style (leftmost placement, unchanged base first): chr17-43093410-AC-A. GRCh37 (hg19) VCF-style: chr17-41245427-AC-A.
Other names: c.2120delG (NM_007294.3); c.2120del, p.Gly707fs (NM_001407583.1, NM_001407585.1, NM_001407593.1 and 30 more transcripts); c.2117del, p.Gly706fs (NM_001407587.1, NM_001407590.1, NM_001407591.1 and 22 more transcripts); c.2111del, p.Gly704fs (NM_001407646.1, NM_001407647.1); c.1997del, p.Gly666fs (NM_001407648.1, NM_001407664.1, NM_001407665.1 and 19 more transcripts); c.1994del, p.Gly665fs (NM_001407649.1, NM_001407670.1, NM_001407671.1 and 11 more transcripts); c.2042del, p.Gly681fs (NM_001407653.1, NM_001407654.1, NM_001407655.1 and 4 more transcripts); c.2039del, p.Gly680fs (NM_001407659.1, NM_001407660.1, NM_001407661.1 and 1 more transcripts); and 42 more; short protein forms G660fs, G707fs, G579fs, G639fs, G666fs, G704fs, G596fs, G618fs.
Identifiers: ClinVar variation 548188 (VCV000548188.2), dbSNP rs1555590441, ClinGen allele CA658824019.

ClinVar aggregate classification (germline): Pathogenic (3 of 4 stars; one submission).

Conditions:
Breast-ovarian cancer, familial, susceptibility to, 1 (BROVCA1). Also called: BRCA1 Hereditary Breast and Ovarian Cancer; OVARIAN CANCER, SUSCEPTIBILITY TO. Identifiers: Orphanet 145, MedGen C2676676, MONDO:0011450, OMIM 604370. Disease mechanism: loss of function.

Submission:

Evidence-based Network for the Interpretation of Germline Mutant Alleles (ENIGMA)
Classification: Pathogenic for Breast-ovarian cancer, familial, susceptibility to, 1. Last evaluated: 2017-12-15. Review status: reviewed by expert panel. Criteria: ENIGMA BRCA1/2 Classification Criteria (2017-06-29). Collection method: curation. Allele origin: germline. Study: ENIGMA.
Comment: Variant allele predicted to encode a truncated non-functional protein.